The following is an entry in ClinVar:

NM_000051.4(ATM):c.574del (p.His192fs)

Gene: ATM (ATM serine/threonine kinase; plus strand). Cytogenetic location: 11q22.3.
Variant type: Deletion.
Coding change: c.574del on transcript NM_000051.4 (MANE Select); coding-DNA position 574, one base deleted (C; older notation c.574delC).
Protein change: p.His192fs; shifts the reading frame from histidine 192.
Molecular consequence: frameshift variant.
Genome position (GRCh38, 1-based): chr11:108,244,030, C deleted. VCF-style (leftmost placement, unchanged base first): chr11-108244029-TC-T. GRCh37 (hg19) VCF-style: chr11-108114756-TC-T.
Other names: c.574del, p.His192fs (NM_001351834.2); short protein forms H192fs.
Identifiers: ClinVar variation 4811930 (VCV004811930.1).
Genomic context (GRCh38, chr11:108,244,029, plus strand): 5'-CTTCAGGCTCTATCTGAAACCTTCACAAGATGTTCATAGAGTTTTAGTGGCTAGAATAAT[TC>T]ATGCTGTTACCAAAGGATGCTGTTCTCAGACTGACGGATTAAATTCCAAATTTTTGGACT-3'

ClinVar aggregate classification (germline): Pathogenic (1 of 4 stars; one submission).

Conditions:
Ataxia-telangiectasia syndrome (AT). Also called: Ataxia-telangiectasia, complementation group E; Ataxia telangiectasia (A-T); LOUIS-BAR SYNDROME; Ataxia-telangiectasia, complementation group D; AT, COMPLEMENTATION GROUP C; ATAXIA-TELANGIECTASIA, COMPLEMENTATION GROUP A. Identifiers: Orphanet 100, MedGen C0004135, MONDO:0008840, OMIM 208900.

Submission:

Labcorp Genetics (formerly Invitae), Labcorp
Classification: Pathogenic for Ataxia-telangiectasia syndrome. Last evaluated: 2025-03-19. Review status: criteria provided, single submitter. Criteria: Invitae Variant Classification Sherloc (09022015). Collection method: clinical testing. Allele origin: germline.
Comment: This sequence change creates a premature translational stop signal (p.His192Metfs*14) in the ATM gene. It is expected to result in an absent or disrupted protein product. Loss-of-function variants in ATM are known to be pathogenic (PMID: 23807571, 25614872). This variant is not present in population databases (gnomAD no frequency). This variant has not been reported in the literature in individuals affected with ATM-related conditions. For these reasons, this variant has been classified as Pathogenic.

Literature cited by the submitters: PubMed 23807571; PubMed 25614872.